The following is an entry in ClinVar:

ClinVar aggregate classification (germline): Uncertain significance (1 of 4 stars; one submission).

Allele frequency attached by ClinVar (database versions not stated): gnomAD exomes below 0.00001.
gnomAD v4.1: 1 of 1,614,080 alleles (0.000062%); highest among the groups gnomAD compares: Non-Finnish European, 0.000085%; no homozygotes.

Submission:

Labcorp Genetics (formerly Invitae), Labcorp
Classification: Uncertain significance. Last evaluated: 2021-11-04. Review status: criteria provided, single submitter. Criteria: Invitae Variant Classification Sherloc (09022015). Collection method: clinical testing. Allele origin: germline.
Comment: This sequence change replaces glycine, which is neutral and non-polar, with aspartic acid, which is acidic and polar, at codon 2150 of the COL7A1 protein (p.Gly2150Asp). This variant is not present in population databases (gnomAD no frequency). This variant has not been reported in the literature in individuals affected with COL7A1-related conditions. Advanced modeling of protein sequence and biophysical properties (such as structural, functional, and spatial information, amino acid conservation, physicochemical variation, residue mobility, and thermodynamic stability) performed at Invitae indicates that this missense variant is expected to disrupt COL7A1 protein function. This variant disrupts the triple helix domain of COL7A1. Glycine residues within the Gly-Xaa-Yaa repeats of the triple helix domain are required for the structure and stability of fibrillar collagens (PMID: 7695699, 8218237, 19344236), and variants at these glycine residues in COL7A1 are more frequently observed in individuals with disease than in the general population (PMID: 22058051). However, the clinical significance of this observation remains uncertain since only a limited number of affected individuals have been described to date. In summary, the available evidence is currently insufficient to determine the role of this variant in disease. Therefore, it has been classified as a Variant of Uncertain Significance.

Literature cited by the submitters: PubMed 7695699; PubMed 8218237; PubMed 19344236; PubMed 22058051.

NM_000094.4(COL7A1):c.6449G>A (p.Gly2150Asp)

Gene: COL7A1 (collagen type VII alpha 1 chain; minus strand). Cytogenetic location: 3p21.31.
Variant type: single nucleotide variant.
Coding change: c.6449G>A on transcript NM_000094.4 (MANE Select); coding-DNA position 6449, G replaced by A.
Protein change: p.Gly2150Asp; replaces glycine 2150 with aspartic acid.
Molecular consequence: missense variant.
Genome position (GRCh38, 1-based): chr3:48,574,495, C>T on the plus strand (G>A on the coding strand, the complement: COL7A1 is on the minus strand). VCF-style: chr3-48574495-C-T. GRCh37 (hg19) VCF-style: chr3-48611928-C-T.
Other names: short protein forms G2150D.
Identifiers: ClinVar variation 1365303 (VCV001365303.3), dbSNP rs2107668597, ClinGen allele CA352658326.